The following is an entry in ClinVar:

NM_000155.4(GALT):c.754C>A (p.Gln252Lys)

Gene: GALT (galactose-1-phosphate uridylyltransferase; plus strand). Cytogenetic location: 9p13.3.
Variant type: single nucleotide variant.
Coding change: c.754C>A on transcript NM_000155.4 (MANE Select); coding-DNA position 754, C replaced by A.
Protein change: p.Gln252Lys; replaces glutamine 252 with lysine.
Molecular consequence: missense variant.
Genome position (GRCh38, 1-based): chr9:34,648,828, C>A. VCF-style: chr9-34648828-C-A. GRCh37 (hg19) VCF-style: chr9-34648825-C-A.
Other names: c.427C>A, p.Gln143Lys (NM_001258332.2); short protein forms Q252K, Q143K.
Identifiers: ClinVar variation 633238 (VCV000633238.12), dbSNP rs1564101859, ClinGen allele CA373283820.

ClinVar aggregate classification (germline): Uncertain significance. Review status: criteria provided, multiple submitters, no conflicts (2 of 4 stars). 4 submissions from 4 submitters: Uncertain significance (3). 1 of the submissions does not count toward it. Last evaluated 2024-06-28.

Conditions:
Galactosemia. Also called: Galactose intolerance. Identifiers: Orphanet 352, MedGen C0016952, MONDO:0018116, HP:0004919. Disease mechanism: loss of function.
Deficiency of UDPglucose-hexose-1-phosphate uridylyltransferase. Also called: GALACTOSEMIA I; Transferase Deficiency Galactosemia; GALACTOSE-1-PHOSPHATE URIDYLYLTRANSFERASE DEFICIENCY; GALT deficiency; Galactosemia, classic. Identifiers: Orphanet 352, Orphanet 79239, MedGen C0268151, MONDO:0009258, OMIM 230400.

Submissions (4):

Labcorp Genetics (formerly Invitae), Labcorp
Classification: Uncertain significance for Deficiency of UDPglucose-hexose-1-phosphate uridylyltransferase. Last evaluated: 2024-06-28. Review status: criteria provided, single submitter. Criteria: Invitae Variant Classification Sherloc (09022015). Collection method: clinical testing. Allele origin: germline.
Comment: This sequence change replaces glutamine, which is neutral and polar, with lysine, which is basic and polar, at codon 252 of the GALT protein (p.Gln252Lys). This variant is not present in population databases (gnomAD no frequency). This variant has not been reported in the literature in individuals affected with GALT-related conditions. ClinVar contains an entry for this variant (Variation ID: 633238). Advanced modeling of protein sequence and biophysical properties (such as structural, functional, and spatial information, amino acid conservation, physicochemical variation, residue mobility, and thermodynamic stability) performed at Invitae indicates that this missense variant is expected to disrupt GALT protein function with a positive predictive value of 95%. In summary, the available evidence is currently insufficient to determine the role of this variant in disease. Therefore, it has been classified as a Variant of Uncertain Significance.

ARUP Laboratories, Molecular Genetics and Genomics, ARUP Laboratories
Classification: Uncertain significance for Deficiency of UDPglucose-hexose-1-phosphate uridylyltransferase. Last evaluated: 2024-02-22. Review status: criteria provided, single submitter. Criteria: ARUP Molecular Germline Variant Investigation Process 2024. Collection method: clinical testing. Allele origin: germline.
Comment: The GALT c.754C>A; p.Gln252Lys variant (rs1564101859), to our knowledge, is not reported in the medical literature but is reported in ClinVar (Variation ID: 633238). This variant is absent from the Genome Aggregation Database (v2.1.1), indicating it is not a common polymorphism. Computational analyses predict that this variant is deleterious (REVEL: 0.838). However, given the lack of clinical and functional data, the significance of this variant is uncertain at this time.

Women's Health and Genetics/Laboratory Corporation of America, LabCorp
Classification: Uncertain significance. Last evaluated: 2018-12-27. Review status: criteria provided, single submitter. Criteria: LabCorp Variant Classification Summary - May 2015. Collection method: clinical testing. Allele origin: germline.
Comment: Variant summary: GALT c.754C>A (p.Gln252Lys) results in a conservative amino acid change in the C-terminal domain (IPR005850) of the encoded protein sequence. Four of five in-silico tools predict a damaging effect of the variant on protein function. The variant was absent in 245788 control chromosomes (gnomAD). The available data on variant occurrences in the general population are insufficient to allow any conclusion about variant significance. To our knowledge, no occurrence of c.754C>A in individuals affected with Galactosemia and no experimental evidence demonstrating its impact on protein function have been reported. No clinical diagnostic laboratories have submitted clinical-significance assessments for this variant to ClinVar after 2014. Based on the evidence outlined above, the variant was classified as uncertain significance.

Natera, Inc.
Classification: Uncertain significance for Galactosemia. Last evaluated: 2018-11-30. Review status: no assertion criteria provided. Collection method: clinical testing. Allele origin: germline. Not counted in ClinVar's aggregate classification.